The following is an entry in ClinVar:

NM_000094.4(COL7A1):c.5215_5216del (p.Pro1739fs)

Gene: COL7A1 (collagen type VII alpha 1 chain; minus strand). Cytogenetic location: 3p21.31.
Variant type: Deletion.
Coding change: c.5215_5216del on transcript NM_000094.4 (MANE Select); coding-DNA positions 5215 to 5216, 2 bases deleted (CC; older notation c.5215_5216delCC).
Protein change: p.Pro1739fs; shifts the reading frame from proline 1739.
Molecular consequence: frameshift variant.
Genome position (GRCh38, 1-based): chr3:48,579,607-48,579,608, GG deleted on the plus strand (CC on the coding strand, the reverse complement: COL7A1 is on the minus strand); deleting any 2 consecutive bases within chr3:48,579,607-48,579,609 gives the same sequence; the c. name uses the placement nearest the transcript's 3' end. VCF-style (leftmost placement, unchanged base first): chr3-48579606-AGG-A. GRCh37 (hg19) VCF-style: chr3-48617039-AGG-A.
Other names: short protein forms P1739fs.
Identifiers: ClinVar variation 5014871 (VCV005014871.1).
Genomic context (GRCh38, chr3:48,579,606, plus strand): 5'-GGCCCTCCCATGCCTGCACCCCCGAGGACCAATCACACTCACCCTTTCCCCAGGGGCTCC[AGG>A]GAGGCCAGGATCACCCTTGGGCCCTCGAGGACCCTCTTGTCCGCGGTCCCCAGGCTCTCC-3'

ClinVar aggregate classification (germline): Pathogenic (1 of 4 stars; one submission).

Conditions:
Recessive dystrophic epidermolysis bullosa (RDEB). Also called: DYSTROPHIC EPIDERMOLYSIS BULLOSA, AUTOSOMAL RECESSIVE; EPIDERMOLYSIS BULLOSA DYSTROPHICA, HALLOPEAU-SIEMENS TYPE; Hallopeau-Siemens Disease; severe generalized recessive dystrophic epidermolysis bullosa; EPIDERMOLYSIS BULLOSA DYSTROPHICA, GENERALIZED SEVERE, AUTOSOMAL RECESSIVE; Epidermolysis Bullosa Distrophica Autosomal Recessive (RDEB). Identifiers: Orphanet 79408, Orphanet 79409, MedGen C0079474, MONDO:0009179, OMIM 226600.

Submission:

Myriad Genetics, Inc.
Classification: Pathogenic for Recessive dystrophic epidermolysis bullosa. Last evaluated: 2025-08-13. Review status: criteria provided, single submitter. Criteria: Myriad Autosomal Dominant, Autosomal Recessive and X-Linked Classification Criteria (2023). Collection method: clinical testing. Allele origin: unknown.
Comment: NM_000094.3(COL7A1):c.5215_5216delCC(P1739Wfs*9) is expected to be pathogenic in the context of dystrophic epidermolysis bullosa. This variant is predicted to lead to an abnormal or absent protein product due to the creation of a premature termination codon in COL7A1, a gene where loss-of-function variants are known to be pathogenic. Please note: this variant was assessed in the context of healthy population screening.